The following is an entry in ClinVar:

NM_006939.4(SOS2):c.511-4T>C

Gene: SOS2 (SOS Ras/Rho guanine nucleotide exchange factor 2; minus strand). Cytogenetic location: 14q21.3.
Variant type: single nucleotide variant.
Coding change: c.511-4T>C on transcript NM_006939.4 (MANE Select); 4 bases into the intron before coding-DNA position 511, T replaced by C.
Molecular consequence: intron variant.
Genome position (GRCh38, 1-based): chr14:50,188,704, A>G on the plus strand (T>C on the coding strand, the complement: SOS2 is on the minus strand). VCF-style: chr14-50188704-A-G. GRCh37 (hg19) VCF-style: chr14-50655422-A-G.
Identifiers: ClinVar variation 1745429 (VCV001745429.2), dbSNP rs2503134767, ClinGen allele CA2580088187.
Genomic context (GRCh38, chr14:50,188,704, plus strand): 5'-ATCTTCACAGAGAGAAACCAAACCTATGTCATCCTGATCAAACATGTCCATCAAAACCTG[A>G]GAAACAGAAATCAATAATGTATAAATTTATTTTCTTTACTTTTATAAAAACTGCCTCAAA-3'

ClinVar aggregate classification (germline): Uncertain significance (1 of 4 stars; one submission).

Conditions:
Cardiovascular phenotype. Identifiers: MedGen CN230736.

Submission:

Ambry Genetics
Classification: Uncertain significance for Cardiovascular phenotype. Last evaluated: 2022-01-26. Review status: criteria provided, single submitter. Criteria: Ambry Variant Classification Scheme 2023. Collection method: clinical testing. Allele origin: germline.
Comment: The c.511-4T>C intronic variant results from a T to C substitution 4 nucleotides upstream from coding exon 5 in the SOS2 gene. This nucleotide position is not well conserved in available vertebrate species. In silico splice site analysis predicts that this alteration will not have any significant effect on splicing. Since supporting evidence is limited at this time, the clinical significance of this alteration remains unclear.